The following is an entry in ClinVar:

NM_016151.4(TAOK2):c.1054C>T (p.His352Tyr)

Gene: TAOK2 (TAO kinase 2; plus strand). Cytogenetic location: 16p11.2.
Variant type: single nucleotide variant.
Coding change: c.1054C>T on transcript NM_016151.4 (MANE Select); coding-DNA position 1054, C replaced by T.
Protein change: p.His352Tyr; replaces histidine 352 with tyrosine.
Molecular consequence: missense variant.
Genome position (GRCh38, 1-based): chr16:29,983,126, C>T. VCF-style: chr16-29983126-C-T. GRCh37 (hg19) VCF-style: chr16-29994447-C-T.
Other names: c.1054C>T, p.His352Tyr (NM_001252043.2, NM_004783.4); c.1054C>T (NM_016151.3); short protein forms H352Y.
Identifiers: ClinVar variation 4592617 (VCV004592617.2).

ClinVar aggregate classification (germline): Uncertain significance. Review status: criteria provided, multiple submitters, no conflicts (2 of 4 stars). 2 submissions from 2 submitters: Uncertain significance (2). Last evaluated 2025-09-22.

Conditions:
TAOK2-related disorder. Also called: TAOK2-related condition.

gnomAD v4.1: 53 of 1,613,982 alleles (0.0033%); highest among the groups gnomAD compares: East Asian, 0.12%; no homozygotes.

Submissions (2):

Ambry Genetics
Classification: Uncertain significance. Last evaluated: 2025-09-22. Review status: criteria provided, single submitter. Criteria: Ambry Variant Classification Scheme 2023. Collection method: clinical testing. Allele origin: germline.

PreventionGenetics, part of Exact Sciences
Classification: Uncertain significance for TAOK2-related condition. Last evaluated: 2024-12-10. Review status: criteria provided, single submitter. Criteria: ACMG Guidelines, 2015. Collection method: clinical testing. Allele origin: germline.
Comment: The TAOK2 c.1054C>T variant is predicted to result in the amino acid substitution p.His352Tyr. To our knowledge, this variant has not been reported in the literature. This variant is reported in 0.065% of alleles in individuals of East Asian descent in gnomAD. At this time, the clinical significance of this variant is uncertain due to the absence of conclusive functional and genetic evidence.